The following is an entry in ClinVar:

NM_145728.3(SYNM):c.51G>A (p.Glu17=)

Genes: SYNM (synemin; plus strand), SYNM-AS1 (SYNM antisense RNA 1; minus strand), LOC130058014 (ATAC-STARR-seq lymphoblastoid silent region 6864; plus strand). Cytogenetic location: 15q26.3.
Variant type: single nucleotide variant.
Coding change: c.51G>A on transcript NM_145728.3 (MANE Select); coding-DNA position 51, G replaced by A.
Protein change: p.Glu17=; no amino-acid change (glutamic acid 17 retained).
Molecular consequence: synonymous variant.
Genome position (GRCh38, 1-based): chr15:99,105,250, G>A. VCF-style: chr15-99105250-G-A. GRCh37 (hg19) VCF-style: chr15-99645456-G-A.
Other names: c.51G>A, p.Glu17= (NM_015286.6).
Identifiers: ClinVar variation 3054523 (VCV003054523.2), dbSNP rs782282302, ClinGen allele CA7753248.

ClinVar aggregate classification (germline): Likely benign (0 of 4 stars; one submission).

Conditions:
SYNM-related disorder. Also called: SYNM-related condition.

Allele frequency attached by ClinVar (database versions not stated): TOPMed 0.00001; gnomAD 0.00002; gnomAD exomes 0.00002.
gnomAD v4.1: 33 of 1,569,700 alleles (0.0021%); highest among the groups gnomAD compares: Non-Finnish European, 0.0028%; no homozygotes.

Submission:

PreventionGenetics, part of Exact Sciences
Classification: Likely benign for SYNM-related condition. Last evaluated: 2020-05-11. Review status: no assertion criteria provided. Collection method: clinical testing. Allele origin: germline.
Comment: This variant is classified as likely benign based on ACMG/AMP sequence variant interpretation guidelines (Richards et al. 2015 PMID: 25741868, with internal and published modifications).